The following is an entry in ClinVar:

NM_001267550.2(TTN):c.8976G>A (p.Val2992=)

Gene: TTN (titin; minus strand). Cytogenetic location: 2q31.2.
Variant type: single nucleotide variant.
Coding change: c.8976G>A on transcript NM_001267550.2 (MANE Select); coding-DNA position 8976, G replaced by A.
Protein change: p.Val2992=; no amino-acid change (valine 2992 retained).
Molecular consequence: synonymous variant.
Genome position (GRCh38, 1-based): chr2:178,768,860, C>T on the plus strand (G>A on the coding strand, the complement: TTN is on the minus strand). VCF-style: chr2-178768860-C-T. GRCh37 (hg19) VCF-style: chr2-179633587-C-T.
Other names: c.8838G>A, p.Val2946= (NM_003319.4, NM_133432.3, NM_133437.4); c.8976G>A, p.Val2992= (NM_133378.4, NM_133379.5, NM_001256850.1).
Identifiers: ClinVar variation 467624 (VCV000467624.14), dbSNP rs544348559, ClinGen allele CA2004469.

ClinVar aggregate classification (germline): Likely benign. Review status: criteria provided, multiple submitters, no conflicts (2 of 4 stars). 4 submissions from 4 submitters: Likely benign (4). Last evaluated 2026-09-01.

Conditions:
Cardiovascular phenotype. Identifiers: MedGen CN230736.
Autosomal recessive limb-girdle muscular dystrophy type 2J (LGMDR10). Also called: Limb-girdle muscular dystrophy, type 2J; MUSCULAR DYSTROPHY, LIMB-GIRDLE, AUTOSOMAL RECESSIVE 10. Identifiers: Orphanet 140922, MedGen C1837342, MONDO:0012127, OMIM 608807.
Dilated cardiomyopathy 1G (CMD1G). Identifiers: Orphanet 154, MedGen C1858763, MONDO:0011400, OMIM 604145.
TTN-related disorder. Also called: TTN-related condition; TTN-related disease; TTN-related disorders.

Allele frequency attached by ClinVar (database versions not stated): gnomAD exomes 0.00001 and 0.00003; ExAC 0.00002; TOPMed 0.00012; gnomAD 0.00013; 1000 Genomes Project 30x 0.00016; 1000 Genomes Project 0.00020.
gnomAD v4.1: 30 of 1,614,050 alleles (0.0019%); highest among the groups gnomAD compares: African/African-American, 0.023%; no homozygotes.

Submissions (4):

PreventionGenetics, part of Exact Sciences
Classification: Likely benign for TTN-related condition. Last evaluated: 2026-09-01. Review status: criteria provided, single submitter. Criteria: ACMG Guidelines, 2015. Collection method: clinical testing. Allele origin: germline.
Comment: This variant is classified as likely benign based on ACMG/AMP sequence variant interpretation guidelines (Richards et al. 2015 PMID: 25741868, with internal and published modifications).

Labcorp Genetics (formerly Invitae), Labcorp
Classification: Likely benign for Dilated cardiomyopathy 1G; Autosomal recessive limb-girdle muscular dystrophy type 2J. Last evaluated: 2025-09-19. Review status: criteria provided, single submitter. Criteria: Invitae Variant Classification Sherloc (09022015). Collection method: clinical testing. Allele origin: germline.

Ambry Genetics
Classification: Likely benign for Cardiovascular phenotype. Last evaluated: 2021-02-17. Review status: criteria provided, single submitter. Criteria: Ambry Variant Classification Scheme 2023. Collection method: clinical testing. Allele origin: germline.

GeneDx
Classification: Likely benign. Last evaluated: 2017-06-05. Review status: criteria provided, single submitter. Criteria: GeneDx Variant Classification (06012015). Collection method: clinical testing. Allele origin: germline. Affected: yes.
Comment: This variant is considered likely benign or benign based on one or more of the following criteria: it is a conservative change, it occurs at a poorly conserved position in the protein, it is predicted to be benign by multiple in silico algorithms, and/or has population frequency not consistent with disease.